The following is an entry in ClinVar:

NM_206933.4(USH2A):c.10940-2_10940delinsTATGGCTTT

Gene: USH2A (usherin; minus strand). Cytogenetic location: 1q41.
Variant type: Indel.
Coding change: c.10940-2_10940delinsTATGGCTTT on transcript NM_206933.4 (MANE Select); the canonical splice acceptor site of the intron before coding-DNA position 10940 through coding-DNA position 10940, AGG replaced by TATGGCTTT.
Molecular consequence: splice acceptor variant.
Genome position (GRCh38, 1-based): chr1:215,766,788-215,766,790, CCT replaced by AAAGCCATA on the plus strand (AGG replaced by TATGGCTTT on the coding strand, the reverse complement: USH2A is on the minus strand). VCF-style: chr1-215766788-CCT-AAAGCCATA. GRCh37 (hg19) VCF-style: chr1-215940130-CCT-AAAGCCATA.
Identifiers: ClinVar variation 4817074 (VCV004817074.2).

ClinVar aggregate classification (germline): Likely pathogenic. Review status: criteria provided, multiple submitters, no conflicts (2 of 4 stars). 2 submissions from 2 submitters: Likely pathogenic (2). Last evaluated 2025-06-23.

Conditions:
Usher syndrome type 2A. Also called: USHER SYNDROME, TYPE IIA; RETINAL DISEASE IN USHER SYNDROME TYPE IIA, MODIFIER OF. Identifiers: Orphanet 231178, Orphanet 886, MedGen C1848634, MONDO:0010169, OMIM 276901.
USH2A-related disorder. Also called: USH2A-related condition; USH2A-related disorders. Identifiers: MedGen CN239332.

Submissions (2):

Natera, Inc.
Classification: Likely pathogenic for Usher syndrome type 2A. Last evaluated: 2025-06-23. Review status: criteria provided, single submitter. Criteria: Natera Variant Classification Schema (03/2026). Collection method: clinical testing. Allele origin: germline.
Comment: The c.10940-2_10940delinsTATGGCTTT variant in USH2A is a canonical splice acceptor site variant predicted to affect pre-mRNA splicing, which may result in an abnormal transcript and altered protein product. This variant is expected to result in nonsense mediated decay, truncation, or a dysfunctional protein product. This variant is rare in the general population with a frequency below the threshold expected for the associated phenotype(s). Given the available evidence, this variant is classified as Likely Pathogenic.

Blueprint Genetics
Classification: Likely pathogenic for USH2A-related disorders. Last evaluated: 2020-02-25. Review status: criteria provided, single submitter. Criteria: ACMG Guidelines, 2015. Collection method: clinical testing. Allele origin: germline. Affected: yes. Observed: 2 variant alleles.